The following is an entry in ClinVar:

NM_014008.5(CCDC22):c.1134G>C (p.Glu378Asp)

Gene: CCDC22 (CCC complex scaffolding subunit CCDC22; plus strand). Cytogenetic location: Xp11.23.
Variant type: single nucleotide variant.
Coding change: c.1134G>C on transcript NM_014008.5 (MANE Select); coding-DNA position 1134, G replaced by C.
Protein change: p.Glu378Asp; replaces glutamic acid 378 with aspartic acid.
Molecular consequence: missense variant.
Genome position (GRCh38, 1-based): chrX:49,248,232, G>C. VCF-style: chrX-49248232-G-C. GRCh37 (hg19) VCF-style: chrX-49104693-G-C.
Other names: short protein forms E378D.
Identifiers: ClinVar variation 2338674 (VCV002338674.25), dbSNP rs199995957, ClinGen allele CA10411417.

ClinVar aggregate classification (germline): Conflicting classifications of pathogenicity. Review status: criteria provided, conflicting classifications (1 of 4 stars). 2 submissions from 2 submitters: Uncertain significance (1); Likely benign (1). Last evaluated 2023-11-01.

Allele frequency attached by ClinVar (database versions not stated): ExAC 0.00010; TOPMed 0.00014; gnomAD 0.00017.
gnomAD v4.1: 476 of 1,203,646 alleles (0.04%); highest among the groups gnomAD compares: Non-Finnish European, 0.049%; no homozygotes.

Submissions (2):

CeGaT Center for Human Genetics Tuebingen
Classification: Likely benign. Last evaluated: 2023-11-01. Review status: criteria provided, single submitter. Criteria: CeGaT Center For Human Genetics Tuebingen Variant Classification Criteria Version 2. Collection method: clinical testing. Allele origin: germline. Affected: yes. Observed: 1 variant allele.
Comment: CCDC22: BP4, BS2

Ambry Genetics
Classification: Uncertain significance. Last evaluated: 2021-08-30. Review status: criteria provided, single submitter. Criteria: Ambry Variant Classification Scheme 2023. Collection method: clinical testing. Allele origin: germline.